The following is an entry in ClinVar:

NM_003200.5(TCF3):c.1026G>A (p.Pro342=)

Gene: TCF3 (transcription factor 3; minus strand). Cytogenetic location: 19p13.3.
Variant type: single nucleotide variant.
Coding change: c.1026G>A on transcript NM_003200.5 (MANE Select); coding-DNA position 1026, G replaced by A.
Protein change: p.Pro342=; no amino-acid change (proline 342 retained).
Molecular consequence: synonymous variant.
Genome position (GRCh38, 1-based): chr19:1,621,035, C>T on the plus strand (G>A on the coding strand, the complement: TCF3 is on the minus strand). VCF-style: chr19-1621035-C-T. GRCh37 (hg19) VCF-style: chr19-1621034-C-T.
Other names: c.1026G>A, p.Pro342= (NM_001136139.4, NM_001351778.2, NM_001351779.2).
Identifiers: ClinVar variation 2648940 (VCV002648940.27), dbSNP rs780484569, ClinGen allele CA9050099.
Genomic context (GRCh38, chr19:1,621,035, plus strand): 5'-GCCCTGGGGGGAGCCCACGGGGGTAGAAGGGCTGGACGAGAAGTTATTGCTTGAGTGATC[C>T]GGGGAGTAGATCTGCGAGGAGGACCAGGAGAGATGGGCGGTCAGGGGCCGGCCTCTCAGG-3'
Protein context (NP_003191.1, residues 332-352): LGKALASIYS[Pro342=]DHSSNNFSSS

ClinVar aggregate classification (germline): Likely benign. Review status: criteria provided, multiple submitters, no conflicts (2 of 4 stars). 2 submissions from 2 submitters: Likely benign (2). Last evaluated 2023-11-19.

Allele frequency attached by ClinVar (database versions not stated): gnomAD 0.00001; TOPMed 0.00003.

Submissions (2):

Labcorp Genetics (formerly Invitae), Labcorp
Classification: Likely benign. Last evaluated: 2023-11-19. Review status: criteria provided, single submitter. Criteria: Invitae Variant Classification Sherloc (09022015). Collection method: clinical testing. Allele origin: germline.

CeGaT Center for Human Genetics Tuebingen
Classification: Likely benign. Last evaluated: 2023-02-01. Review status: criteria provided, single submitter. Criteria: CeGaT Center For Human Genetics Tuebingen Variant Classification Criteria Version 2. Collection method: clinical testing. Allele origin: germline. Affected: yes. Observed: 1 variant allele.
Comment: TCF3: BP4, BP7